The following is an entry in ClinVar:

NM_004539.4(NARS1):c.1208A>T (p.His403Leu)

Gene: NARS1 (asparaginyl-tRNA synthetase 1; minus strand). Cytogenetic location: 18q21.31.
Variant type: single nucleotide variant.
Coding change: c.1208A>T on transcript NM_004539.4 (MANE Select); coding-DNA position 1208, A replaced by T.
Protein change: p.His403Leu; replaces histidine 403 with leucine.
Molecular consequence: missense variant.
Genome position (GRCh38, 1-based): chr18:57,605,900, T>A on the plus strand (A>T on the coding strand, the complement: NARS1 is on the minus strand). VCF-style: chr18-57605900-T-A. GRCh37 (hg19) VCF-style: chr18-55273132-T-A.
Other names: short protein forms H403L.
Identifiers: ClinVar variation 4687947 (VCV004687947.1).

ClinVar aggregate classification (germline): Likely pathogenic (1 of 4 stars; one submission).

Conditions:
Neurodevelopmental disorder with microcephaly, impaired language, epilepsy, and gait abnormalities. Identifiers: MedGen C5436788, MONDO:0030837, OMIM 619092.

Submission:

Human Genetics Bochum, Ruhr University Bochum
Classification: Likely pathogenic for Neurodevelopmental disorder with microcephaly, impaired language, epilepsy, and gait abnormalities. Last evaluated: 2025-08-14. Review status: criteria provided, single submitter. Criteria: ACMG Guidelines, 2015. Collection method: clinical testing. Allele origin: germline. Affected: yes.
Comment: de novo; ACMG criteria used to clasify this variant: PS2, PM2_SUP, PP3